The following is an entry in ClinVar:

NM_020631.6(PLEKHG5):c.892_919del (p.Ser298fs)

Gene: PLEKHG5 (pleckstrin homology and RhoGEF domain containing G5; minus strand). Cytogenetic location: 1p36.31.
Variant type: Deletion.
Coding change: c.892_919del on transcript NM_020631.6 (MANE Select); coding-DNA positions 892 to 919, 28 bases deleted (TCCTGGGAGGAGGAGTACGATGAAGACG).
Protein change: p.Ser298fs; shifts the reading frame from serine 298.
Molecular consequence: frameshift variant.
Genome position (GRCh38, 1-based): chr1:6,473,051-6,473,078, CGTCTTCATCGTACTCCTCCTCCCAGGA deleted on the plus strand (TCCTGGGAGGAGGAGTACGATGAAGACG on the coding strand, the reverse complement: PLEKHG5 is on the minus strand). VCF-style (leftmost placement, unchanged base first): chr1-6473050-TCGTCTTCATCGTACTCCTCCTCCCAGGA-T. GRCh37 (hg19) VCF-style: chr1-6533110-TCGTCTTCATCGTACTCCTCCTCCCAGGA-T.
Other names: c.1003_1030del, p.Ser335fs (NM_001042663.3, NM_001265592.2); c.892_919del, p.Ser298fs (NM_001042664.2, NM_001042665.2, NM_001265594.3 and 1 more transcripts); c.1099_1126del, p.Ser367fs (NM_001265593.2); short protein forms S298fs, S335fs, S367fs.
Identifiers: ClinVar variation 3754945 (VCV003754945.2).
Genomic context (GRCh38, chr1:6,473,050, plus strand): 5'-TGCCCATCAATGAGCTCCCGCCAGCTGTCCTCCAGCCTCAGGCAGGCATTGTCCTCATCC[TCGTCTTCATCGTACTCCTCCTCCCAGGA>T]GTCATGGTCGAAGCGCAGCCCCCGGGGCAGCCTGGGCAGCCCGAAGAGGCTGTAGGTGTG-3'

ClinVar aggregate classification (germline): Pathogenic (1 of 4 stars; one submission).

Conditions:
Neuronopathy, distal hereditary motor, autosomal recessive 4. Also called: NEUROPATHY, DISTAL HEREDITARY MOTOR, AUTOSOMAL RECESSIVE 4; Autosomal recessive lower motor neuron disease with childhood onset. Identifiers: Orphanet 206580, MedGen C1970211, MONDO:0012608, OMIM 611067.
Charcot-Marie-Tooth disease recessive intermediate C. Also called: CHARCOT-MARIE-TOOTH NEUROPATHY, RECESSIVE INTERMEDIATE C. Identifiers: Orphanet 369867, MedGen C3809309, MONDO:0014154, OMIM 615376.

Submission:

Labcorp Genetics (formerly Invitae), Labcorp
Classification: Pathogenic for Neuronopathy, distal hereditary motor, autosomal recessive 4; Charcot-Marie-Tooth disease recessive intermediate C. Last evaluated: 2024-02-25. Review status: criteria provided, single submitter. Criteria: Invitae Variant Classification Sherloc (09022015). Collection method: clinical testing. Allele origin: germline.
Comment: This sequence change creates a premature translational stop signal (p.Ser298Argfs*8) in the PLEKHG5 gene. It is expected to result in an absent or disrupted protein product. Loss-of-function variants in PLEKHG5 are known to be pathogenic (PMID: 17564964, 23777631). This variant is not present in population databases (gnomAD no frequency). This variant has not been reported in the literature in individuals affected with PLEKHG5-related conditions. For these reasons, this variant has been classified as Pathogenic.

Literature cited by the submitters: PubMed 17564964; PubMed 23777631.